The following is an entry in ClinVar:

ClinVar aggregate classification (germline): Uncertain significance (1 of 4 stars; one submission).

Conditions:
Neuroblastoma, susceptibility to, 3. Also called: ALK-Related Neuroblastic Tumor Susceptibility. Identifiers: Orphanet 635, MedGen C2751681, MONDO:0013083, OMIM 613014.

Allele frequency attached by ClinVar (database versions not stated): gnomAD exomes below 0.00001.
gnomAD v4.1: 1 of 1,614,108 alleles (0.000062%); highest among the groups gnomAD compares: Non-Finnish European, 0.000085%; no homozygotes.

Submission:

Labcorp Genetics (formerly Invitae), Labcorp
Classification: Uncertain significance for Neuroblastoma, susceptibility to, 3. Last evaluated: 2023-06-25. Review status: criteria provided, single submitter. Criteria: Invitae Variant Classification Sherloc (09022015). Collection method: clinical testing. Allele origin: germline.
Comment: An algorithm developed to predict the effect of missense changes on protein structure and function (PolyPhen-2) suggests that this variant is likely to be disruptive. This variant is not present in population databases (gnomAD no frequency). This variant has not been reported in the literature in individuals affected with ALK-related conditions. In summary, the available evidence is currently insufficient to determine the role of this variant in disease. Therefore, it has been classified as a Variant of Uncertain Significance. This sequence change replaces histidine, which is basic and polar, with tyrosine, which is neutral and polar, at codon 1228 of the ALK protein (p.His1228Tyr).

NM_004304.5(ALK):c.3682C>T (p.His1228Tyr)

Gene: ALK (ALK receptor tyrosine kinase; minus strand). Cytogenetic location: 2p23.2.
Variant type: single nucleotide variant.
Coding change: c.3682C>T on transcript NM_004304.5 (MANE Select); coding-DNA position 3682, C replaced by T.
Protein change: p.His1228Tyr; replaces histidine 1228 with tyrosine.
Molecular consequence: missense variant.
Genome position (GRCh38, 1-based): chr2:29,214,045, G>A on the plus strand (C>T on the coding strand, the complement: ALK is on the minus strand). VCF-style: chr2-29214045-G-A. GRCh37 (hg19) VCF-style: chr2-29436911-G-A.
Other names: c.478C>T, p.His160Tyr (NM_001353765.2); short protein forms H1228Y, H160Y.
Identifiers: ClinVar variation 2728470 (VCV002728470.3), dbSNP rs2148159474, ClinGen allele CA346471505.